The following is an entry in ClinVar:

NM_000057.4(BLM):c.3651A>T (p.Lys1217Asn)

Gene: BLM (BLM RecQ like helicase; plus strand). Cytogenetic location: 15q26.1.
Variant type: single nucleotide variant.
Coding change: c.3651A>T on transcript NM_000057.4 (MANE Select); coding-DNA position 3651, A replaced by T.
Protein change: p.Lys1217Asn; replaces lysine 1217 with asparagine.
Molecular consequence: missense variant. On other transcripts: intron variant (1).
Genome position (GRCh38, 1-based): chr15:90,804,259, A>T. VCF-style: chr15-90804259-A-T. GRCh37 (hg19) VCF-style: chr15-91347489-A-T.
Other names: p.K1217N:AAA>AAT; c.3651A>T, p.Lys1217Asn (NM_001287246.2); c.2526A>T, p.Lys842Asn (NM_001287248.2); c.3359-4878A>T (NM_001287247.2); c.3651A>T (LRG_20t1); short protein forms K1217N, K842N.
Identifiers: ClinVar variation 127502 (VCV000127502.16), dbSNP rs587779887, ClinGen allele CA287109.

ClinVar aggregate classification (germline): Uncertain significance. Review status: criteria provided, multiple submitters, no conflicts (2 of 4 stars). 5 submissions from 5 submitters: Uncertain significance (4). 1 of the submissions does not count toward it. Last evaluated 2025-12-30.

Conditions:
Hereditary cancer-predisposing syndrome. Also called: Hereditary Cancer Syndrome; Hereditary neoplastic syndrome; Tumor predisposition; Neoplastic Syndromes, Hereditary. Identifiers: Orphanet 140162, MedGen C0027672, MeSH D009386, MONDO:0015356.
Bloom syndrome (BLM). Also called: Bloom-Torre-Machacek syndrome. Identifiers: Orphanet 125, MedGen C0005859, MONDO:0008876, OMIM 210900.

Allele frequency attached by ClinVar (database versions not stated): TOPMed below 0.00001; ExAC 0.00001.
gnomAD v4.1: 4 of 1,614,148 alleles (0.00025%); highest among the groups gnomAD compares: Non-Finnish European, 0.00025%; no homozygotes.

Submissions (5):

Labcorp Genetics (formerly Invitae), Labcorp
Classification: Uncertain significance for Bloom syndrome. Last evaluated: 2025-12-30. Review status: criteria provided, single submitter. Criteria: Invitae Variant Classification Sherloc (09022015). Collection method: clinical testing. Allele origin: germline.
Comment: This sequence change replaces lysine, which is basic and polar, with asparagine, which is neutral and polar, at codon 1217 of the BLM protein (p.Lys1217Asn). This variant is not present in population databases (gnomAD no frequency). This variant has not been reported in the literature in individuals affected with BLM-related conditions. ClinVar contains an entry for this variant (Variation ID: 127502). Invitae Evidence Modeling of protein sequence and biophysical properties (such as structural, functional, and spatial information, amino acid conservation, physicochemical variation, residue mobility, and thermodynamic stability) indicates that this missense variant is not expected to disrupt BLM protein function with a negative predictive value of 80%. In summary, the available evidence is currently insufficient to determine the role of this variant in disease. Therefore, it has been classified as a Variant of Uncertain Significance.

Ambry Genetics
Classification: Uncertain significance for Hereditary cancer-predisposing syndrome. Last evaluated: 2024-10-02. Review status: criteria provided, single submitter. Criteria: Ambry Variant Classification Scheme 2023. Collection method: clinical testing. Allele origin: germline.
Comment: The p.K1217N variant (also known as c.3651A>T), located in coding exon 18 of the BLM gene, results from an A to T substitution at nucleotide position 3651. The lysine at codon 1217 is replaced by asparagine, an amino acid with similar properties. This amino acid position is well conserved in available vertebrate species. In addition, this alteration is predicted to be tolerated by in silico analysis. Since supporting evidence is limited at this time, the clinical significance of this alteration remains unclear.

Sema4
Classification: Uncertain significance for Hereditary cancer-predisposing syndrome. Last evaluated: 2021-05-17. Review status: criteria provided, single submitter. Criteria: Sema4 Curation Guidelines. Collection method: curation. Allele origin: germline.
Comment: The BLM c.3651A>T (p.K1217N) variant has not been reported in the literature to our knowledge. It was not observed in the large and broad cohorts of the Genome Aggregation Database (PMID: 32461654). The variant has been reported in ClinVar (Variation ID 127502). In silico tools suggest the impact of the variant on protein function is inconclusive, though these predictions have not been confirmed by functional studies. The evidence is insufficient to meet ACMG/AMP criteria for classifying the variant as benign or pathogenic. Thus, the clinical significance of this variant is currently uncertain.

GeneDx
Classification: Uncertain significance. Last evaluated: 2013-10-14. Review status: criteria provided, single submitter. Criteria: GeneDx Variant Classification (06012015). Collection method: clinical testing. Allele origin: germline. Affected: yes.
Comment: This variant is denoted BLM c.3651A>T at the cDNA level, p.Lys1217Asn (K1217N) at the protein level, and results in the change of a Lysine to an Asparagine (AAA>AAT) in exon 19. This variant has not, to our knowledge, been published in the literature as either a mutation or a benign polymorphism, nor has it been observed in approximately 6,500 individuals of European and African American ancestry in the NHLBI Exome Variant Server, indicating it is not a common benign variant in these populations. This variant is a non-conservative substitution of a positive polar amino acid for a neutral polar one, altering a position that is well conserved throughout evolution and is located in the Helicase and Rnase-D C-terminal domain. In silico analyses are inconsistent with regard to the effect this variant may have on protein structure and function. Based on the currently available information, we cannot assess whether this variant is benign or pathogenic, and therefore consider to be of unknown significance.The variant is found in HEREDICANCER panel(s).

Natera, Inc.
Classification: Uncertain significance for Bloom syndrome. Last evaluated: 2020-09-16. Review status: no assertion criteria provided. Collection method: clinical testing. Allele origin: germline. Not counted in ClinVar's aggregate classification.